The following is an entry in ClinVar:

ClinVar aggregate classification (germline): Likely benign. Review status: criteria provided, multiple submitters, no conflicts (2 of 4 stars). 4 submissions from 4 submitters: Likely benign (4). Last evaluated 2026-01-19.

Conditions:
Curry-Hall syndrome (WAD). Also called: WEYERS ACRODENTAL DYSOSTOSIS. Identifiers: Orphanet 952, MedGen C0457013, MONDO:0008673, OMIM 193530.
Ellis-van Creveld syndrome (EVC). Also called: Chondroectodermal dysplasia; MESOECTODERMAL DYSPLASIA. Identifiers: Orphanet 289, MedGen C0013903, MONDO:0009162, OMIM 225500.
Inborn genetic diseases. Identifiers: MedGen C0950123, MeSH D030342.

Allele frequency attached by ClinVar (database versions not stated): gnomAD 0.00006 and 0.00007; ESP Exome Variant Server 0.00008; TOPMed 0.00008; 1000 Genomes Project 30x 0.00016; 1000 Genomes Project 0.00020; gnomAD exomes 0.00031; ExAC 0.00035.
gnomAD v4.1: 246 of 1,614,066 alleles (0.015%); highest among the groups gnomAD compares: South Asian, 0.093%; 8 homozygotes.

Submissions (4):

Labcorp Genetics (formerly Invitae), Labcorp
Classification: Likely benign for Curry-Hall syndrome; Ellis-van Creveld syndrome. Last evaluated: 2026-01-19. Review status: criteria provided, single submitter. Criteria: Invitae Variant Classification Sherloc (09022015). Collection method: clinical testing. Allele origin: germline.

Blueprint Genetics
Classification: Likely benign. Last evaluated: 2024-11-25. Review status: criteria provided, single submitter. Criteria: ACMG Guidelines, 2015. Collection method: clinical testing. Allele origin: germline.

CeGaT Center for Human Genetics Tuebingen
Classification: Likely benign. Last evaluated: 2023-12-01. Review status: criteria provided, single submitter. Criteria: CeGaT Center For Human Genetics Tuebingen Variant Classification Criteria Version 2. Collection method: clinical testing. Allele origin: germline. Affected: yes. Observed: 1 variant allele.
Comment: EVC2: BP4, BS2

Ambry Genetics
Classification: Likely benign for Inborn genetic diseases. Last evaluated: 2022-10-06. Review status: criteria provided, single submitter. Criteria: Ambry Variant Classification Scheme 2023. Collection method: clinical testing. Allele origin: germline.

NM_147127.5(EVC2):c.1478T>C (p.Val493Ala)

Gene: EVC2 (EvC ciliary complex subunit 2; minus strand). Cytogenetic location: 4p16.2.
Variant type: single nucleotide variant.
Coding change: c.1478T>C on transcript NM_147127.5 (MANE Select); coding-DNA position 1478, T replaced by C.
Protein change: p.Val493Ala; replaces valine 493 with alanine.
Molecular consequence: missense variant.
Genome position (GRCh38, 1-based): chr4:5,632,025, A>G on the plus strand (T>C on the coding strand, the complement: EVC2 is on the minus strand). VCF-style: chr4-5632025-A-G. GRCh37 (hg19) VCF-style: chr4-5633752-A-G.
Other names: c.1238T>C, p.Val413Ala (NM_001166136.2); short protein forms V493A, V413A.
Identifiers: ClinVar variation 767307 (VCV000767307.36), dbSNP rs202210260, ClinGen allele CA2835033.
Genomic context (GRCh38, chr4:5,632,025, plus strand): 5'-GACTTCCTCAAGTGCTCCTGTTCCAGGCCATGGAGGGTCCGCAGAAGGTTGCTGCACTCT[A>G]CAGCAGACTGGAGAGAGGAAAGGGAGAGCGTGAGAAACTGACACACTGAACATGCACCTA-3'
Protein context (NP_667338.3, residues 483-503): LLKRAGERSA[Val493Ala]ECSNLLRTLH